The following is an entry in ClinVar:

ClinVar aggregate classification (germline): Likely benign. Review status: criteria provided, multiple submitters, no conflicts (2 of 4 stars). 5 submissions from 5 submitters: Likely benign (5). Last evaluated 2026-01-23.

Conditions:
Familial thoracic aortic aneurysm and aortic dissection (TAAD). Also called: Thoracic aortic aneurysms and dissections. Identifiers: Orphanet 91387, MedGen C4707243, MONDO:0019625.
Ehlers-Danlos syndrome, type 4 (EDSVASC). Also called: Ehlers-Danlos syndrome vascular type; Ehlers Danlos syndrome, ecchymotic type; Ehlers Danlos syndrome, arterial type; Ehlers Danlos syndrome, Sack-Barabas type; Ehlers-Danlos Syndrome Type IV. Identifiers: Orphanet 286, MedGen C0268338, MONDO:0017314, OMIM 130050.

Allele frequency attached by ClinVar (database versions not stated): ExAC 0.00002; gnomAD exomes 0.00002; ESP Exome Variant Server 0.00008; gnomAD 0.00008 and 0.00010; TOPMed 0.00014.
gnomAD v4.1: 23 of 1,613,902 alleles (0.0014%); highest among the groups gnomAD compares: African/African-American, 0.031%; no homozygotes.

Submissions (5):

Women's Health and Genetics/Laboratory Corporation of America, LabCorp
Classification: Likely benign. Last evaluated: 2026-01-23. Review status: criteria provided, single submitter. Criteria: LabCorp Variant Classification Summary - May 2015. Collection method: clinical testing. Allele origin: germline.

Labcorp Genetics (formerly Invitae), Labcorp
Classification: Likely benign for Ehlers-Danlos syndrome, type 4. Last evaluated: 2025-12-01. Review status: criteria provided, single submitter. Criteria: Invitae Variant Classification Sherloc (09022015). Collection method: clinical testing. Allele origin: germline.

All of Us Research Program, National Institutes of Health
Classification: Likely benign for Ehlers-Danlos syndrome, type 4. Last evaluated: 2023-06-08. Review status: criteria provided, single submitter. Criteria: ACMG Guidelines, 2015. Collection method: clinical testing. Allele origin: germline. Inheritance: Autosomal dominant inheritance. Observed: 3 variant alleles, 3 heterozygotes.
Comment: This study involves interpretation of variants in research participants for the purpose of population health screening. Participant phenotype was not available at the time of variant classification. Additional details can be found in publication PMID: 35346344, PMCID: PMC8962531

Color Diagnostics, LLC DBA Color Health
Classification: Likely benign for Familial thoracic aortic aneurysm and aortic dissection. Last evaluated: 2022-10-18. Review status: criteria provided, single submitter. Criteria: ACMG Guidelines, 2015. Collection method: clinical testing. Allele origin: germline.

Ambry Genetics
Classification: Likely benign for Familial thoracic aortic aneurysm and aortic dissection. Last evaluated: 2022-06-09. Review status: criteria provided, single submitter. Criteria: Ambry Variant Classification Scheme 2023. Collection method: clinical testing. Allele origin: germline.

NM_000090.4(COL3A1):c.1707T>C (p.Ser569=)

Gene: COL3A1 (collagen type III alpha 1 chain; plus strand). Cytogenetic location: 2q32.2.
Variant type: single nucleotide variant.
Coding change: c.1707T>C on transcript NM_000090.4 (MANE Select); coding-DNA position 1707, T replaced by C.
Protein change: p.Ser569=; no amino-acid change (serine 569 retained).
Molecular consequence: synonymous variant.
Genome position (GRCh38, 1-based): chr2:188,996,442, T>C. VCF-style: chr2-188996442-T-C. GRCh37 (hg19) VCF-style: chr2-189861168-T-C.
Identifiers: ClinVar variation 699460 (VCV000699460.15), dbSNP rs141542949, ClinGen allele CA074581.